The following is an entry in ClinVar:

NM_016306.6(DNAJB11):c.563C>G (p.Thr188Ser)

Gene: DNAJB11 (DnaJ heat shock protein family (Hsp40) member B11; plus strand). Cytogenetic location: 3q27.3.
Variant type: single nucleotide variant.
Coding change: c.563C>G on transcript NM_016306.6 (MANE Select); coding-DNA position 563, C replaced by G.
Protein change: p.Thr188Ser; replaces threonine 188 with serine.
Molecular consequence: missense variant. On other transcripts: non-coding transcript variant (5), intron variant (1).
Genome position (GRCh38, 1-based): chr3:186,581,477, C>G. VCF-style: chr3-186581477-C-G. GRCh37 (hg19) VCF-style: chr3-186299266-C-G.
Other names: c.324-518C>G (NM_001378451.1); short protein forms T188S.
Identifiers: ClinVar variation 4617699 (VCV004617699.2).

ClinVar aggregate classification (germline): Uncertain significance. Review status: criteria provided, multiple submitters, no conflicts (2 of 4 stars). 2 submissions from 2 submitters: Uncertain significance (2). Last evaluated 2025-11-08.

Conditions:
Inborn genetic diseases. Identifiers: MedGen C0950123, MeSH D030342.

Submissions (2):

Ambry Genetics
Classification: Uncertain significance for Inborn genetic diseases. Last evaluated: 2025-11-08. Review status: criteria provided, single submitter. Criteria: Ambry Variant Classification Scheme 2023. Collection method: clinical testing. Allele origin: germline.

Labcorp Genetics (formerly Invitae), Labcorp
Classification: Uncertain significance. Last evaluated: 2025-09-17. Review status: criteria provided, single submitter. Criteria: Invitae Variant Classification Sherloc (09022015). Collection method: clinical testing. Allele origin: germline.
Comment: This sequence change replaces threonine, which is neutral and polar, with serine, which is neutral and polar, at codon 188 of the DNAJB11 protein (p.Thr188Ser). This variant is present in population databases (rs773094672, gnomAD 0.004%). This variant has not been reported in the literature in individuals affected with DNAJB11-related conditions. An algorithm developed to predict the effect of missense changes on protein structure and function (PolyPhen-2) suggests that this variant is likely to be tolerated. In summary, the available evidence is currently insufficient to determine the role of this variant in disease. Therefore, it has been classified as a Variant of Uncertain Significance.